The following is an entry in ClinVar:

ClinVar aggregate classification (germline): Likely benign. Review status: criteria provided, multiple submitters, no conflicts (2 of 4 stars). 4 submissions from 4 submitters: Likely benign (4). Last evaluated 2026-09-01.

Conditions:
Malignant hyperthermia, susceptibility to, 1 (MHS1). Also called: Malignant hyperthermia suceptibility 1; Anesthesia related hyperthermia; Malignant hyperpyrexia; Fulminating hyperpyrexia; Pharmacogenic myopathy; RYR1-Related Malignant Hyperthermia Susceptibility. Identifiers: Orphanet 423, MedGen C2930980, MONDO:0007783, OMIM 145600.
RYR1-related disorder. Also called: RYR1-related disorders; RYR1-related condition. Identifiers: MedGen CN239331.

Allele frequency attached by ClinVar (database versions not stated): gnomAD exomes below 0.00001; TOPMed below 0.00001.
gnomAD v4.1: 1 of 1,614,018 alleles (0.000062%); highest among the groups gnomAD compares: East Asian, 0.0022%; no homozygotes.

Submissions (4):

CeGaT Center for Human Genetics Tuebingen
Classification: Likely benign. Last evaluated: 2026-09-01. Review status: criteria provided, single submitter. Criteria: CeGaT Center For Human Genetics Tuebingen Variant Classification Criteria Version 2. Collection method: clinical testing. Allele origin: germline. Affected: yes. Observed: 1 variant allele.
Comment: RYR1: BP4, BP7

Labcorp Genetics (formerly Invitae), Labcorp
Classification: Likely benign for RYR1-related disorder. Last evaluated: 2025-11-08. Review status: criteria provided, single submitter. Criteria: Invitae Variant Classification Sherloc (09022015). Collection method: clinical testing. Allele origin: germline.

All of Us Research Program, National Institutes of Health
Classification: Likely benign for Malignant hyperthermia, susceptibility to, 1. Last evaluated: 2024-06-17. Review status: criteria provided, single submitter. Criteria: ACMG Guidelines, 2015. Collection method: clinical testing. Allele origin: germline. Inheritance: Autosomal dominant inheritance. Observed: 3 variant alleles, 3 heterozygotes.
Comment: This study involves interpretation of variants in research participants for the purpose of population health screening. Participant phenotype was not available at the time of variant classification. Additional details can be found in publication PMID: 35346344, PMCID: PMC8962531

Color Diagnostics, LLC DBA Color Health
Classification: Likely benign for Malignant hyperthermia, susceptibility to, 1. Last evaluated: 2024-02-14. Review status: criteria provided, single submitter. Criteria: ACMG Guidelines, 2015. Collection method: clinical testing. Allele origin: germline.

NM_000540.3(RYR1):c.3594G>A (p.Val1198=)

Gene: RYR1 (ryanodine receptor 1; plus strand). Cytogenetic location: 19q13.2.
Variant type: single nucleotide variant.
Coding change: c.3594G>A on transcript NM_000540.3 (MANE Select); coding-DNA position 3594, G replaced by A.
Protein change: p.Val1198=; no amino-acid change (valine 1198 retained).
Molecular consequence: synonymous variant.
Genome position (GRCh38, 1-based): chr19:38,469,342, G>A. VCF-style: chr19-38469342-G-A. GRCh37 (hg19) VCF-style: chr19-38959982-G-A.
Other names: c.3594G>A, p.Val1198= (NM_001042723.2).
Identifiers: ClinVar variation 1652915 (VCV001652915.11), dbSNP rs1219381578, ClinGen allele CA507352955.